The following is an entry in ClinVar:

NM_005458.8(GABBR2):c.814A>G (p.Met272Val)

Gene: GABBR2 (gamma-aminobutyric acid type B receptor subunit 2; minus strand). Cytogenetic location: 9q22.33.
Variant type: single nucleotide variant.
Coding change: c.814A>G on transcript NM_005458.8 (MANE Select); coding-DNA position 814, A replaced by G.
Protein change: p.Met272Val; replaces methionine 272 with valine.
Molecular consequence: missense variant.
Genome position (GRCh38, 1-based): chr9:98,473,331, T>C on the plus strand (A>G on the coding strand, the complement: GABBR2 is on the minus strand). VCF-style: chr9-98473331-T-C. GRCh37 (hg19) VCF-style: chr9-101235613-T-C.
Other names: short protein forms M272V.
Identifiers: ClinVar variation 838301 (VCV000838301.11), dbSNP rs981756907, ClinGen allele CA197069472.

ClinVar aggregate classification (germline): Uncertain significance (1 of 4 stars; one submission).

Conditions:
Epileptic encephalopathy. Identifiers: MedGen C0543888, HP:0200134.

Allele frequency attached by ClinVar (database versions not stated): gnomAD exomes below 0.00001; gnomAD 0.00003 and 0.00004; TOPMed 0.00003.
gnomAD v4.1: 8 of 1,611,084 alleles (0.0005%); highest among the groups gnomAD compares: East Asian, 0.0045%; no homozygotes.

Submission:

Labcorp Genetics (formerly Invitae), Labcorp
Classification: Uncertain significance for Epileptic encephalopathy. Last evaluated: 2023-08-17. Review status: criteria provided, single submitter. Criteria: Invitae Variant Classification Sherloc (09022015). Collection method: clinical testing. Allele origin: germline.
Comment: This variant is present in population databases (no rsID available, gnomAD 0.005%). This sequence change replaces methionine, which is neutral and non-polar, with valine, which is neutral and non-polar, at codon 272 of the GABBR2 protein (p.Met272Val). This variant has not been reported in the literature in individuals affected with GABBR2-related conditions. ClinVar contains an entry for this variant (Variation ID: 838301). Advanced modeling of protein sequence and biophysical properties (such as structural, functional, and spatial information, amino acid conservation, physicochemical variation, residue mobility, and thermodynamic stability) has been performed at Invitae for this missense variant, however the output from this modeling did not meet the statistical confidence thresholds required to predict the impact of this variant on GABBR2 protein function. In summary, the available evidence is currently insufficient to determine the role of this variant in disease. Therefore, it has been classified as a Variant of Uncertain Significance.